The following is an entry in ClinVar:

ClinVar aggregate classification (germline): Uncertain significance (1 of 4 stars; one submission).

Conditions:
Inborn genetic diseases. Identifiers: MedGen C0950123, MeSH D030342.

Submission:

Ambry Genetics
Classification: Uncertain significance for Inborn genetic diseases. Last evaluated: 2025-12-10. Review status: criteria provided, single submitter. Criteria: Ambry Variant Classification Scheme 2023. Collection method: clinical testing. Allele origin: germline.
Comment: The c.26G>A (p.S9N) alteration is located in exon 1 (coding exon 1) of the FZD4 gene. This alteration results from a G to A substitution at nucleotide position 26, causing the serine (S) at amino acid position 9 to be replaced by an asparagine (N). Based on data from gnomAD, the A allele has an overall frequency of 0.001% (2/199964) total alleles studied. The highest observed frequency was 0.002% (2/87300) of European (non-Finnish) alleles. Based on insufficient or conflicting evidence, the clinical significance of this alteration remains unclear.

NM_012193.4(FZD4):c.26G>A (p.Ser9Asn)

Gene: FZD4 (frizzled class receptor 4; minus strand). Cytogenetic location: 11q14.2.
Variant type: single nucleotide variant.
Coding change: c.26G>A on transcript NM_012193.4 (MANE Select); coding-DNA position 26, G replaced by A.
Protein change: p.Ser9Asn; replaces serine 9 with asparagine.
Molecular consequence: missense variant.
Genome position (GRCh38, 1-based): chr11:86,955,060, C>T on the plus strand (G>A on the coding strand, the complement: FZD4 is on the minus strand). VCF-style: chr11-86955060-C-T. GRCh37 (hg19) VCF-style: chr11-86666102-C-T.
Other names: short protein forms S9N.
Identifiers: ClinVar variation 4620456 (VCV004620456.1).
Genomic context (GRCh38, chr11:86,955,060, plus strand): 5'-AGCAGCAACTGCAGGAGCAACCCCAGACTGAGACCGACGCCCCCGGGCGCCCCCGGGACG[C>T]TCGGCCCTGCGCCCCGCCAGGCCATGGCCAGCATCGGGGGTAGCAGCGGCAGCGGCTGGG-3'
Protein context (NP_036325.2, residues 1-19): MAWRGAGP[Ser9Asn]VPGAPGGVGL